The following is an entry in ClinVar:

NM_001034853.2(RPGR):c.153C>T (p.Thr51=)

Gene: RPGR (retinitis pigmentosa GTPase regulator; minus strand). Cytogenetic location: Xp11.4.
Variant type: single nucleotide variant.
Coding change: c.153C>T on transcript NM_001034853.2 (MANE Select); coding-DNA position 153, C replaced by T.
Protein change: p.Thr51=; no amino-acid change (threonine 51 retained).
Molecular consequence: synonymous variant. On other transcripts: non-coding transcript variant (6).
Genome position (GRCh38, 1-based): chrX:38,323,400, G>A on the plus strand (C>T on the coding strand, the complement: RPGR is on the minus strand). VCF-style: chrX-38323400-G-A. GRCh37 (hg19) VCF-style: chrX-38182653-G-A.
Other names: NM_001034853.2(RPGR):c.153C>T; p.Thr51=; c.153C>T, p.Thr51= (NM_000328.3, NM_001367245.1, NM_001367246.1 and 4 more transcripts); c.183C>T, p.Thr61= (NM_001367248.1).
Identifiers: ClinVar variation 414014 (VCV000414014.43), dbSNP rs201242851, ClinGen allele CA10385730.

ClinVar aggregate classification (germline): Benign. Review status: reviewed by expert panel (3 of 4 stars). 7 submissions from 7 submitters: Benign (1). 6 of the submissions do not count toward it. Last evaluated 2026-01-25.

Conditions:
RPGR-related disorder. Also called: RPGR-related condition.
RPGR-related retinopathy. Also called: RPGR retinopathy. Identifiers: MedGen CN305589, MONDO:0100437.
Primary ciliary dyskinesia. Also called: Ciliary dyskinesia. Identifiers: Orphanet 244, MedGen C0008780, MONDO:0016575, HP:0012265.

Allele frequency attached by ClinVar (database versions not stated): gnomAD 0.00031 and 0.00033; gnomAD exomes 0.00038 and 0.00043; TOPMed 0.00040; ExAC 0.00049; ESP Exome Variant Server 0.00009.
gnomAD v4.1: 495 of 1,201,767 alleles (0.041%); highest among the groups gnomAD compares: Non-Finnish European, 0.053%; no homozygotes.

Submissions (7):

ClinGen X-linked Inherited Retinal Disease Variant Curation Expert Panel, ClinGen
Classification: Benign for RPGR-related retinopathy. Last evaluated: 2026-01-25. Review status: reviewed by expert panel. Criteria: ClinGen X LinkedIRD ACMG Specifications RPGR V1.0.0. Collection method: curation. Allele origin: germline. Inheritance: X-linked inheritance.
Comment: NM_001034853.2(RPGR):c.153C>T (p.Thr51=) is a synonymous variant located in the penultimate nucleotide of exon 2, which is a position not eligible to meet the BP7 code. This variant is present in gnomAD v.4.1.0 at a frequency of 0.0003871 among hemizygous individuals, with 151 variant alleles / 390,063 total hemizygous alleles, which is higher than the ClinGen X-linked IRD VCEP BA1 threshold of >0.00005 (BA1). The splicing impact predictor SpliceAI gives a delta score of 0.00, which is below the ClinGen X-linked IRD VCEP recommended threshold of <0.1 and does not strongly predict an impact on splicing (BP4). In summary, this variant is classified as benign for RPGR-related retinopathy based on the ClinGen X-linked Inherited Retinal Disease Expert Panel Specifications to the ACMG/AMP Variant Interpretation Guidelines for RPGR Version 1.0.0; BA1 and BP4.

Labcorp Genetics (formerly Invitae), Labcorp
Classification: Benign for Primary ciliary dyskinesia. Last evaluated: 2026-01-17. Review status: criteria provided, single submitter. Criteria: Invitae Variant Classification Sherloc (09022015). Collection method: clinical testing. Allele origin: germline. Not counted in ClinVar's aggregate classification.

Ambry Genetics
Classification: Likely benign for Primary ciliary dyskinesia. Last evaluated: 2025-07-13. Review status: criteria provided, single submitter. Criteria: Ambry Variant Classification Scheme 2023. Collection method: clinical testing. Allele origin: germline. Not counted in ClinVar's aggregate classification.

Laboratory of Genetics, Children's Clinical University Hospital Latvia
Classification: Benign. Last evaluated: 2025-02-16. Review status: criteria provided, single submitter. Criteria: ACMG Guidelines, 2015. Collection method: clinical testing. Allele origin: germline. Affected: yes. Not counted in ClinVar's aggregate classification.

Blueprint Genetics
Classification: Likely benign. Last evaluated: 2024-09-17. Review status: criteria provided, single submitter. Criteria: ACMG Guidelines, 2015. Collection method: clinical testing. Allele origin: germline. Not counted in ClinVar's aggregate classification.

CeGaT Center for Human Genetics Tuebingen
Classification: Likely benign. Last evaluated: 2023-03-01. Review status: criteria provided, single submitter. Criteria: CeGaT Center For Human Genetics Tuebingen Variant Classification Criteria Version 2. Collection method: clinical testing. Allele origin: germline. Affected: yes. Observed: 2 variant alleles. Not counted in ClinVar's aggregate classification.
Comment: RPGR: BP4, BP7, BS2

PreventionGenetics, part of Exact Sciences
Classification: Likely benign for RPGR-related condition. Last evaluated: 2019-08-28. Review status: no assertion criteria provided. Collection method: clinical testing. Allele origin: germline. Not counted in ClinVar's aggregate classification.
Comment: This variant is classified as likely benign based on ACMG/AMP sequence variant interpretation guidelines (Richards et al. 2015 PMID: 25741868, with internal and published modifications).